The following is an entry in ClinVar:

ClinVar aggregate classification (germline): Pathogenic (1 of 4 stars; one submission).

Conditions:
Sialic acid storage disease, severe infantile type (ISSD). Also called: INFANTILE SIALIC ACID STORAGE DISORDER; N-ACETYLNEURAMINIC ACID STORAGE DISEASE; NANA STORAGE DISEASE; SIALURIA, INFANTILE FORM; Infantile Sialic Acid Storage Disease; Free sialic acid storage disease, infantile form. Identifiers: Orphanet 309324, Orphanet 834, MedGen C1096902, MONDO:0010027, OMIM 269920.

Submission:

Myriad Genetics, Inc.
Classification: Pathogenic for Sialic acid storage disease, severe infantile type. Last evaluated: 2025-06-22. Review status: criteria provided, single submitter. Criteria: Myriad Autosomal Dominant, Autosomal Recessive and X-Linked Classification Criteria (2023). Collection method: clinical testing. Allele origin: unknown.
Comment: NM_012434.4(SLC17A5):c.693_698del6ins5(F233Vfs*15) is expected to be pathogenic in the context of free sialic acid storage disorders. This variant is predicted to lead to an abnormal or absent protein product due to the creation of a premature termination codon in SLC17A5, a gene where loss-of-function variants are known to be pathogenic. Please note: this variant was assessed in the context of healthy population screening.

NM_012434.5(SLC17A5):c.693_698delinsTTTTG (p.Phe233fs)

Gene: SLC17A5 (solute carrier family 17 member 5; minus strand). Cytogenetic location: 6q13.
Variant type: Indel.
Coding change: c.693_698delinsTTTTG on transcript NM_012434.5 (MANE Select); coding-DNA positions 693 to 698, CTTTTT replaced by TTTTG.
Protein change: p.Phe233fs; shifts the reading frame from phenylalanine 233.
Molecular consequence: frameshift variant. On other transcripts: intron variant (2).
Genome position (GRCh38, 1-based): chr6:73,636,623-73,636,628, AAAAAG replaced by CAAAA on the plus strand (CTTTTT replaced by TTTTG on the coding strand, the reverse complement: SLC17A5 is on the minus strand). VCF-style: chr6-73636623-AAAAAG-CAAAA. GRCh37 (hg19) VCF-style: chr6-74346346-AAAAAG-CAAAA.
Other names: c.462_467delinsTTTTG, p.Phe156fs (NM_001382629.1); c.693_698delinsTTTTG, p.Phe233fs (NM_001382630.1, NM_001382633.1, NM_001382634.1); c.714_719delinsTTTTG, p.Phe240fs (NM_001382631.1); c.690_695delinsTTTTG, p.Phe232fs (NM_001382635.1); c.383-1128_383-1123delinsTTTTG (NM_001382636.1); c.614-1128_614-1123delinsTTTTG (NM_001382632.1); short protein forms F156fs, F232fs, F233fs, F240fs.
Identifiers: ClinVar variation 5014631 (VCV005014631.1).